The following is an entry in ClinVar:

ClinVar aggregate classification (germline): Uncertain significance. Review status: criteria provided, multiple submitters, no conflicts (2 of 4 stars). 2 submissions from 2 submitters: Uncertain significance (2). Last evaluated 2025-02-25.

Conditions:
Hypertrophic cardiomyopathy. Also called: HYPERTROPHIC MYOCARDIOPATHY. Identifiers: Orphanet 217569, MedGen C0007194, MeSH D002312, MONDO:0005045, HP:0001639.

Allele frequency attached by ClinVar (database versions not stated): TOPMed 0.00001; gnomAD exomes 0.00002 and 0.00004; ExAC 0.00003; gnomAD 0.00002 and 0.00001.

Submissions (2):

Labcorp Genetics (formerly Invitae), Labcorp
Classification: Uncertain significance for Hypertrophic cardiomyopathy. Last evaluated: 2025-02-25. Review status: criteria provided, single submitter. Criteria: Invitae Variant Classification Sherloc (09022015). Collection method: clinical testing. Allele origin: germline.
Comment: This sequence change replaces arginine, which is basic and polar, with cysteine, which is neutral and slightly polar, at codon 1231 of the MYOM1 protein (p.Arg1231Cys). This variant is present in population databases (rs730880166, gnomAD 0.02%). This variant has not been reported in the literature in individuals affected with MYOM1-related conditions. ClinVar contains an entry for this variant (Variation ID: 180448). Invitae Evidence Modeling of protein sequence and biophysical properties (such as structural, functional, and spatial information, amino acid conservation, physicochemical variation, residue mobility, and thermodynamic stability) has been performed for this missense variant. However, the output from this modeling did not meet the statistical confidence thresholds required to predict the impact of this variant on MYOM1 protein function. In summary, the available evidence is currently insufficient to determine the role of this variant in disease. Therefore, it has been classified as a Variant of Uncertain Significance.

Ambry Genetics
Classification: Uncertain significance. Last evaluated: 2024-03-04. Review status: criteria provided, single submitter. Criteria: Ambry Variant Classification Scheme 2023. Collection method: clinical testing. Allele origin: germline.
Comment: The p.R1231C variant (also known as c.3691C>T), located in coding exon 24 of the MYOM1 gene, results from a C to T substitution at nucleotide position 3691. The arginine at codon 1231 is replaced by cysteine, an amino acid with highly dissimilar properties. This amino acid position is conserved. In addition, the in silico prediction for this alteration is inconclusive. Based on the available evidence, the clinical significance of this alteration remains unclear.

NM_003803.4(MYOM1):c.3691C>T (p.Arg1231Cys)

Gene: MYOM1 (myomesin 1; minus strand). Cytogenetic location: 18p11.31.
Variant type: single nucleotide variant.
Coding change: c.3691C>T on transcript NM_003803.4 (MANE Select); coding-DNA position 3691, C replaced by T.
Protein change: p.Arg1231Cys; replaces arginine 1231 with cysteine.
Molecular consequence: missense variant.
Genome position (GRCh38, 1-based): chr18:3,100,195, G>A on the plus strand (C>T on the coding strand, the complement: MYOM1 is on the minus strand). VCF-style: chr18-3100195-G-A. GRCh37 (hg19) VCF-style: chr18-3100193-G-A.
Other names: c.3403C>T, p.Arg1135Cys (NM_019856.2); short protein forms R1231C, R1135C.
Identifiers: ClinVar variation 180448 (VCV000180448.11), dbSNP rs730880166, ClinGen allele CA346527.
Genomic context (GRCh38, chr18:3,100,195, plus strand): 5'-TGTGAATGTATTGTGGATACTTACTTGGGAACTTGTGTTCATGGCTGAGAGCAAGTAAAC[G>A]TTTCAATTCTGTAGGGGGAAAAAGAAGGCAGTTAAACCTTAAACTACTAAAATAAAAGTC-3'
Protein context (NP_003794.3, residues 1221-1241): SYLIDEEELK[Arg1231Cys]LLALSHEHKF